The following is an entry in ClinVar:

ClinVar aggregate classification (somatic clinical impact): Tier II - Potential (1 of 4 stars; one submission).

Conditions:
Embryonal rhabdomyosarcoma (ERMS). Also called: Botryoid rhabdomyosarcoma (type of ERMS); Spindle cell rhabdomyosarcomas (type of ERMS). Identifiers: Orphanet 99757, MedGen C0206656, MONDO:0009993, HP:0006743.

Submission:

Institute for Genomic Medicine (IGM) Clinical Laboratory, Nationwide Children's Hospital
Classification: Tier II - Potential for Embryonal rhabdomyosarcoma. Assertion type: diagnostic. Clinical significance: supports diagnosis. Last evaluated: 2024-12-31. Review status: criteria provided, single submitter. Criteria: AMP/ASCO/CAP Guidelines, 2017. Collection method: clinical testing. Allele origin: somatic. Affected: yes.
Comment: Variant has Tier II (potential) clinical significance as a diagnostic inclusion criterion in embryonal rhabdomyosarcoma, based on the following evidence: 1) Information in the literature supports potential biologic effect of variant (PMID: 28408316). 2) Assists in diagnosis alone or along with other biomarkers based on small studies or few case reports (Evidence Level D; PMIDs: 24332040, 24436047).

Literature cited by the submitters: PubMed 28408316; PubMed 24332040; PubMed 24436047.

NM_018557.3(LRP1B):c.2190+3A>T

Gene: LRP1B (LDL receptor related protein 1B; minus strand). Cytogenetic location: 2q22.1.
Variant type: single nucleotide variant.
Coding change: c.2190+3A>T on transcript NM_018557.3 (MANE Select); 3 bases into the intron after coding-DNA position 2190, A replaced by T.
Molecular consequence: intron variant.
Genome position (GRCh38, 1-based): chr2:141,015,693, T>A on the plus strand (A>T on the coding strand, the complement: LRP1B is on the minus strand). VCF-style: chr2-141015693-T-A. GRCh37 (hg19) VCF-style: chr2-141773262-T-A.
Identifiers: ClinVar variation 4530465 (VCV004530465.1).